The following is an entry in ClinVar:

ClinVar aggregate classification (germline): Uncertain significance. Review status: criteria provided, multiple submitters, no conflicts (2 of 4 stars). 2 submissions from 2 submitters: Uncertain significance (2). Last evaluated 2023-06-08.

Conditions:
Cardiomyopathy (CMYO). Also called: Cardiomyopathies. Identifiers: Orphanet 167848, MedGen C0878544, MONDO:0004994, HP:0001638. Inheritance: Various modes of inheritance.
Cardiomyopathy, familial restrictive, 3. Identifiers: Orphanet 75249, MedGen C2676271, MONDO:0012900, OMIM 612422.
Dilated cardiomyopathy 1D. Identifiers: Orphanet 154, Orphanet 54260, MedGen C1832243, MONDO:0011095, OMIM 601494.
Hypertrophic cardiomyopathy 2. Also called: TNNT2-Related Familial Hypertrophic Cardiomyopathy. Identifiers: MedGen C1861864, MONDO:0007266, OMIM 115195.

Allele frequency attached by ClinVar (database versions not stated): gnomAD exomes below 0.00001.
gnomAD v4.1: 2 of 1,613,720 alleles (0.00012%); highest among the groups gnomAD compares: Non-Finnish European, 0.00017%; no homozygotes.

Submissions (2):

All of Us Research Program, National Institutes of Health
Classification: Uncertain significance for Cardiomyopathy. Last evaluated: 2023-06-08. Review status: criteria provided, single submitter. Criteria: ACMG Guidelines, 2015. Collection method: clinical testing. Allele origin: germline. Inheritance: Autosomal dominant inheritance. Observed: 2 variant alleles, 2 heterozygotes.
Comment: This missense variant replaces serine with threonine at codon 69 of the TNNT2 protein. Computational prediction suggests that this variant may not impact protein structure and function (internally defined REVEL score threshold <= 0.5, PMID: 27666373). To our knowledge, functional studies have not been reported for this variant. This variant has not been reported in individuals affected with TNNT2-related disorders in the literature. This variant has been identified in 1/250654 chromosomes in the general population by the Genome Aggregation Database (gnomAD). The available evidence is insufficient to determine the role of this variant in disease conclusively. Therefore, this variant is classified as a Variant of Uncertain Significance.

This study involves interpretation of variants in research participants for the purpose of population health screening. Participant phenotype was not available at the time of variant classification. Additional details can be found in publication PMID: 35346344, PMCID: PMC8962531

Labcorp Genetics (formerly Invitae), Labcorp
Classification: Uncertain significance for Cardiomyopathy, familial restrictive, 3; Hypertrophic cardiomyopathy 2; Dilated cardiomyopathy 1D. Last evaluated: 2022-08-30. Review status: criteria provided, single submitter. Criteria: Invitae Variant Classification Sherloc (09022015). Collection method: clinical testing. Allele origin: germline.
Comment: This variant is present in population databases (no rsID available, gnomAD 0.0009%). In summary, the available evidence is currently insufficient to determine the role of this variant in disease. Therefore, it has been classified as a Variant of Uncertain Significance. Algorithms developed to predict the effect of missense changes on protein structure and function (SIFT, PolyPhen-2, Align-GVGD) all suggest that this variant is likely to be tolerated. This variant has not been reported in the literature in individuals affected with TNNT2-related conditions. This sequence change replaces serine, which is neutral and polar, with threonine, which is neutral and polar, at codon 69 of the TNNT2 protein (p.Ser69Thr).

NM_001276345.2(TNNT2):c.235T>A (p.Ser79Thr)

Gene: TNNT2 (troponin T2, cardiac type; minus strand). Cytogenetic location: 1q32.1.
Variant type: single nucleotide variant.
Coding change: c.235T>A on transcript NM_001276345.2 (MANE Select); coding-DNA position 235, T replaced by A.
Protein change: p.Ser79Thr; replaces serine 79 with threonine.
Molecular consequence: missense variant.
Genome position (GRCh38, 1-based): chr1:201,365,669, A>T on the plus strand (T>A on the coding strand, the complement: TNNT2 is on the minus strand). VCF-style: chr1-201365669-A-T. GRCh37 (hg19) VCF-style: chr1-201334797-A-T.
Other names: c.235T>A, p.Ser79Thr (NM_000364.4, NM_001406723.1); c.205T>A, p.Ser69Thr (NM_001001430.3, NM_001001431.3, NM_001276347.2 and 3 more transcripts); c.190T>A, p.Ser64Thr (NM_001001432.3, NM_001406728.1); c.232T>A, p.Ser78Thr (NM_001276346.2); c.202T>A, p.Ser68Thr (NM_001406725.1); short protein forms S78T, S79T, S69T, S64T, S68T.
Identifiers: ClinVar variation 2138940 (VCV002138940.5), dbSNP rs1298762072, ClinGen allele CA344206742.